The following is an entry in ClinVar:

NM_017739.4(POMGNT1):c.355G>A (p.Val119Met)

Genes: POMGNT1 (protein O-linked mannose N-acetylglucosaminyltransferase 1 (beta 1,2-); minus strand), TSPAN1 (tetraspanin 1; plus strand). Cytogenetic location: 1p34.1.
Variant type: single nucleotide variant.
Coding change: c.355G>A on transcript NM_017739.4 (MANE Select); coding-DNA position 355, G replaced by A.
Protein change: p.Val119Met; replaces valine 119 with methionine.
Molecular consequence: missense variant. On other transcripts: 5 prime UTR variant (1).
Genome position (GRCh38, 1-based): chr1:46,196,077, C>T on the plus strand (G>A on the coding strand, the complement: POMGNT1 is on the minus strand). VCF-style: chr1-46196077-C-T. GRCh37 (hg19) VCF-style: chr1-46661749-C-T.
Other names: c.355G>A, p.Val119Met (NM_001243766.2, NM_001410783.1); c.289G>A, p.Val97Met (NM_001290129.3); c.-75G>A (NM_001290130.2); short protein forms V119M, V97M.
Identifiers: ClinVar variation 423754 (VCV000423754.15), dbSNP rs148498470, ClinGen allele CA833762.

ClinVar aggregate classification (germline): Uncertain significance. Review status: criteria provided, multiple submitters, no conflicts (2 of 4 stars). 8 submissions from 8 submitters: Uncertain significance (7). 1 of the submissions does not count toward it. Last evaluated 2025-02-11.

Conditions:
Muscular dystrophy-dystroglycanopathy (congenital with impaired intellectual development), type B, 3. Also called: Muscular dystrophy-dystroglycanopathy (congenital with intellectual disability), type B3; MUSCULAR DYSTROPHY, CONGENITAL, POMGNT1-RELATED. Identifiers: MedGen C3150412, MONDO:0013155, OMIM 613151.
Autosomal recessive limb-girdle muscular dystrophy type 2O. Also called: Limb-Girdle Muscular Dystrophy Type 3C; MUSCULAR DYSTROPHY-DYSTROGLYCANOPATHY (LIMB-GIRDLE), TYPE C, 3; MUSCULAR DYSTROPHY-DYSTROGLYCANOPATHY, LIMB-GIRDLE, POMGNT1-RELATED. Identifiers: Orphanet 206564, MedGen C3150417, MONDO:0013161, OMIM 613157.
Retinitis pigmentosa 76 (RP76). Identifiers: MedGen C4310704, MONDO:0014929, OMIM 617123.
Muscular dystrophy-dystroglycanopathy (congenital with brain and eye anomalies), type A3. Also called: Muscular dystrophy-dystroglycanopathy (congenital with brain and eye anomalies), type A, 3; WALKER-WARBURG SYNDROME OR MUSCLE-EYE-BRAIN DISEASE, POMGNT1-RELATED; Congenital muscular dystrophy-dystroglycanopathy with brain and eye anomalies, type A3. Identifiers: MedGen C3151519, MONDO:0009667, OMIM 253280.
Inborn genetic diseases. Identifiers: MedGen C0950123, MeSH D030342.
Muscle eye brain disease (MEB). Also called: Santavuori congenital muscular dystrophy. Identifiers: Orphanet 588, Orphanet 899, MedGen C0457133, MONDO:0018939.

Allele frequency attached by ClinVar (database versions not stated): gnomAD exomes 0.00010 and 0.00033; gnomAD 0.00009 and 0.00010; ESP Exome Variant Server 0.00023; TOPMed 0.00011; ExAC 0.00012.
gnomAD v4.1: 491 of 1,613,904 alleles (0.03%); highest among the groups gnomAD compares: Non-Finnish European, 0.041%; no homozygotes.

Submissions (8):

Revvity Omics, Revvity
Classification: Uncertain significance. Last evaluated: 2025-02-11. Review status: criteria provided, single submitter. Criteria: ACMG Guidelines, 2015. Collection method: clinical testing. Allele origin: germline.

Blueprint Genetics
Classification: Uncertain significance. Last evaluated: 2024-11-12. Review status: criteria provided, single submitter. Criteria: ACMG Guidelines, 2015. Collection method: clinical testing. Allele origin: germline.

Ambry Genetics
Classification: Uncertain significance for Inborn genetic diseases. Last evaluated: 2024-09-27. Review status: criteria provided, single submitter. Criteria: Ambry Variant Classification Scheme 2023. Collection method: clinical testing. Allele origin: germline.

Labcorp Genetics (formerly Invitae), Labcorp
Classification: Uncertain significance for Autosomal recessive limb-girdle muscular dystrophy type 2O; Muscular dystrophy-dystroglycanopathy (congenital with impaired intellectual development), type B, 3. Last evaluated: 2022-08-23. Review status: criteria provided, single submitter. Criteria: Invitae Variant Classification Sherloc (09022015). Collection method: clinical testing. Allele origin: germline.
Comment: This sequence change replaces valine, which is neutral and non-polar, with methionine, which is neutral and non-polar, at codon 119 of the POMGNT1 protein (p.Val119Met). This variant is present in population databases (rs148498470, gnomAD 0.02%). This variant has not been reported in the literature in individuals affected with POMGNT1-related conditions. ClinVar contains an entry for this variant (Variation ID: 423754). Algorithms developed to predict the effect of missense changes on protein structure and function are either unavailable or do not agree on the potential impact of this missense change (SIFT: "Deleterious"; PolyPhen-2: "Probably Damaging"; Align-GVGD: "Class C0"). In summary, the available evidence is currently insufficient to determine the role of this variant in disease. Therefore, it has been classified as a Variant of Uncertain Significance.

Fulgent Genetics
Classification: Uncertain significance for Muscular dystrophy-dystroglycanopathy (congenital with brain and eye anomalies), type A3; Muscular dystrophy-dystroglycanopathy (congenital with impaired intellectual development), type B, 3; Autosomal recessive limb-girdle muscular dystrophy type 2O; Retinitis pigmentosa 76. Last evaluated: 2022-01-14. Review status: criteria provided, single submitter. Criteria: ACMG Guidelines, 2015. Collection method: clinical testing. Allele origin: unknown.

GeneDx
Classification: Uncertain significance. Last evaluated: 2020-07-07. Review status: criteria provided, single submitter. Criteria: GeneDx Variant Classification Process June 2021. Collection method: clinical testing. Allele origin: germline. Affected: yes.
Comment: In silico analysis, which includes protein predictors and evolutionary conservation, supports a deleterious effect; Has not been previously published as pathogenic or benign to our knowledge

Athena Diagnostics
Classification: Uncertain significance. Last evaluated: 2018-12-27. Review status: criteria provided, single submitter. Criteria: Athena Diagnostics Criteria. Collection method: clinical testing. Allele origin: germline.

Natera, Inc.
Classification: Uncertain significance for Muscle-eye-brain disease. Last evaluated: 2020-03-15. Review status: no assertion criteria provided. Collection method: clinical testing. Allele origin: germline. Not counted in ClinVar's aggregate classification.